The following is an entry in ClinVar:

ClinVar aggregate classification (germline): Pathogenic (1 of 4 stars; one submission).

Conditions:
Donnai-Barrow syndrome. Also called: DBS/FOAR SYNDROME; FACIOOCULOACOUSTICORENAL SYNDROME. Identifiers: Orphanet 2143, MedGen C1857277, MONDO:0009104, OMIM 222448.

Submission:

3billion
Classification: Pathogenic for Donnai-Barrow syndrome. Last evaluated: 2022-03-22. Review status: criteria provided, single submitter. Criteria: ACMG Guidelines, 2015. Collection method: clinical testing. Allele origin: germline. Affected: yes. Observed: 1 homozygote.
Comment: Stop-gained (nonsense): predicted to result in a loss or disruption of normal protein function through nonsense-mediated decay (NMD) or protein truncation. Multiple pathogenic variants are reported downstream of the variant.It is not observed in the gnomAD v2.1.1 dataset. Therefore, this variant is classified as pathogenic according to the recommendation of ACMG/AMP guideline.

NM_004525.3(LRP2):c.8244T>A (p.Cys2748Ter)

Gene: LRP2 (LDL receptor related protein 2; minus strand). Cytogenetic location: 2q31.1.
Variant type: single nucleotide variant.
Coding change: c.8244T>A on transcript NM_004525.3 (MANE Select); coding-DNA position 8244, T replaced by A.
Protein change: p.Cys2748Ter; replaces cysteine 2748 with a stop codon.
Molecular consequence: nonsense.
Genome position (GRCh38, 1-based): chr2:169,201,836, A>T on the plus strand (T>A on the coding strand, the complement: LRP2 is on the minus strand). VCF-style: chr2-169201836-A-T. GRCh37 (hg19) VCF-style: chr2-170058346-A-T.
Other names: short protein forms C2748*.
Identifiers: ClinVar variation 1526144 (VCV001526144.1), dbSNP rs2105326044, ClinGen allele CA349165753.